The following is an entry in ClinVar:

ClinVar aggregate classification (germline): Uncertain significance. Review status: criteria provided, multiple submitters, no conflicts (2 of 4 stars). 3 submissions from 3 submitters: Uncertain significance (3). Last evaluated 2025-08-05.

Conditions:
Inborn genetic diseases. Identifiers: MedGen C0950123, MeSH D030342.
11p partial monosomy syndrome (WAGR). Also called: CHROMOSOME 11p13 DELETION SYNDROME; WAGR Spectrum Disorder; WAGR syndrome; WAGR Complex. Identifiers: Orphanet 893, MedGen C0206115, MONDO:0008681, OMIM 194072.
Frasier syndrome. Identifiers: Orphanet 347, MedGen C0950122, MeSH D052159, MONDO:0007635, OMIM 136680.
Drash syndrome (DDS). Also called: NEPHROPATHY, WILMS TUMOR, AND GENITAL ANOMALIES; WILMS TUMOR AND PSEUDO- OR TRUE HERMAPHRODITISM. Identifiers: Orphanet 220, MedGen C0950121, MONDO:0008682, OMIM 194080.
Wilms tumor 1 (WT1). Also called: Wilms tumor, somatic. Identifiers: Orphanet 654, MedGen CN033288, MONDO:0008679, OMIM 194070.

gnomAD v4.1: 1 of 1,568,292 alleles (0.000064%); highest among the groups gnomAD compares: Non-Finnish European, 0.000086%; no homozygotes.

Submissions (3):

Ambry Genetics
Classification: Uncertain significance for Inborn genetic diseases. Last evaluated: 2025-08-05. Review status: criteria provided, single submitter. Criteria: Ambry Variant Classification Scheme 2023. Collection method: clinical testing. Allele origin: germline.
Comment: The p.P133L variant (also known as c.398C>T), located in coding exon 1 of the WT1 gene, results from a C to T substitution at nucleotide position 398. The proline at codon 133 is replaced by leucine, an amino acid with similar properties. This amino acid position is well conserved in available vertebrate species. In addition, this alteration is predicted to be tolerated by in silico analysis. Based on the available evidence, the clinical significance of this variant remains unclear.

Baylor Genetics
Classification: Uncertain significance for Drash syndrome. Last evaluated: 2023-05-12. Review status: criteria provided, single submitter. Criteria: ACMG Guidelines, 2015. Collection method: clinical testing. Allele origin: unknown.

Labcorp Genetics (formerly Invitae), Labcorp
Classification: Uncertain significance for Wilms tumor 1; Drash syndrome; 11p partial monosomy syndrome; Frasier syndrome. Last evaluated: 2022-01-19. Review status: criteria provided, single submitter. Criteria: Invitae Variant Classification Sherloc (09022015). Collection method: clinical testing. Allele origin: germline.
Comment: This sequence change replaces proline, which is neutral and non-polar, with leucine, which is neutral and non-polar, at codon 133 of the WT1 protein (p.Pro133Leu). In summary, the available evidence is currently insufficient to determine the role of this variant in disease. Therefore, it has been classified as a Variant of Uncertain Significance. Algorithms developed to predict the effect of missense changes on protein structure and function are either unavailable or do not agree on the potential impact of this missense change (SIFT: "Deleterious"; PolyPhen-2: "Benign"; Align-GVGD: "Class C0"). This variant has not been reported in the literature in individuals affected with WT1-related conditions. This variant is not present in population databases (gnomAD no frequency).

NM_024426.6(WT1):c.413C>T (p.Pro138Leu)

Genes: WT1 (WT1 transcription factor; minus strand), LOC107982234 (WT1/WT1-AS bi-directional promoter region; plus strand). Cytogenetic location: 11p13.
Variant type: single nucleotide variant.
Coding change: c.413C>T on transcript NM_024426.6 (MANE Select); coding-DNA position 413, C replaced by T.
Protein change: p.Pro138Leu; replaces proline 138 with leucine.
Molecular consequence: missense variant. On other transcripts: non-coding transcript variant (1).
Genome position (GRCh38, 1-based): chr11:32,434,948, G>A on the plus strand (C>T on the coding strand, the complement: WT1 is on the minus strand). VCF-style: chr11-32434948-G-A. GRCh37 (hg19) VCF-style: chr11-32456494-G-A.
Other names: c.398C>T (NM_024426.4); c.413C>T, p.Pro138Leu (NM_000378.6, NM_001407044.1, NM_001407045.1 and 6 more transcripts); c.398C>T, p.Pro133Leu (NM_024425.2); short protein forms P133L, P138L.
Identifiers: ClinVar variation 2148870 (VCV002148870.6), dbSNP rs1853450493, ClinGen allele CA379965733.
Genomic context (GRCh38, chr11:32,434,948, plus strand): 5'-TCGTGCGGCTCCGCGCCGCCCCAGCTCGGCTCCTGTTTGATGAAGGAGTGAGGCGGCGGC[G>A]GCGGGGGTGGCGGCGGAGCCGGTGGCGGCGCGGGGCCGCCCAACGACCCGTAAGCCGAAG-3'
Protein context (NP_077744.4, residues 128-148): APPPAPPPPP[Pro138Leu]PPPHSFIKQE